The following is an entry in ClinVar:

ClinVar aggregate classification (germline): Uncertain significance (1 of 4 stars; one submission).

gnomAD v4.1: 1 of 1,613,972 alleles (0.000062%); highest among the groups gnomAD compares: South Asian, 0.0011%; no homozygotes.

Submission:

Labcorp Genetics (formerly Invitae), Labcorp
Classification: Uncertain significance. Last evaluated: 2025-08-30. Review status: criteria provided, single submitter. Criteria: Invitae Variant Classification Sherloc (09022015). Collection method: clinical testing. Allele origin: germline.
Comment: This sequence change replaces glutamine, which is neutral and polar, with glutamic acid, which is acidic and polar, at codon 404 of the HNF4A protein (p.Gln404Glu). This variant is not present in population databases (gnomAD no frequency). This variant has not been reported in the literature in individuals affected with HNF4A-related conditions. Invitae Evidence Modeling of protein sequence and biophysical properties (such as structural, functional, and spatial information, amino acid conservation, physicochemical variation, residue mobility, and thermodynamic stability) has been performed for this missense variant. However, the output from this modeling did not meet the statistical confidence thresholds required to predict the impact of this variant on HNF4A protein function. In summary, the available evidence is currently insufficient to determine the role of this variant in disease. Therefore, it has been classified as a Variant of Uncertain Significance.

NM_175914.5(HNF4A):c.1210C>G (p.Gln404Glu)

Gene: HNF4A (hepatocyte nuclear factor 4 alpha; plus strand). Cytogenetic location: 20q13.12.
Variant type: single nucleotide variant.
Coding change: c.1210C>G on transcript NM_175914.5 (MANE Select); coding-DNA position 1210, C replaced by G.
Protein change: p.Gln404Glu; replaces glutamine 404 with glutamic acid.
Molecular consequence: missense variant. On other transcripts: intron variant (3).
Genome position (GRCh38, 1-based): chr20:44,428,481, C>G. VCF-style: chr20-44428481-C-G. GRCh37 (hg19) VCF-style: chr20-43057121-C-G.
Other names: c.1276C>G, p.Gln426Glu (NM_000457.6); c.1255C>G, p.Gln419Glu (NM_001258355.2); c.1201C>G, p.Gln401Glu (NM_001287183.2); c.1177+24C>G (NM_001287182.2); c.1186+24C>G (NM_001030003.3); c.1252+24C>G (NM_178849.3); short protein forms Q419E, Q404E, Q401E, Q426E.
Identifiers: ClinVar variation 4704702 (VCV004704702.1).